The following is an entry in ClinVar:

NM_199420.4(POLQ):c.4282C>A (p.Leu1428Ile)

Gene: POLQ (DNA polymerase theta; minus strand). Cytogenetic location: 3q13.33.
Variant type: single nucleotide variant.
Coding change: c.4282C>A on transcript NM_199420.4 (MANE Select); coding-DNA position 4282, C replaced by A.
Protein change: p.Leu1428Ile; replaces leucine 1428 with isoleucine.
Molecular consequence: missense variant.
Genome position (GRCh38, 1-based): chr3:121,488,649, G>T on the plus strand (C>A on the coding strand, the complement: POLQ is on the minus strand). VCF-style: chr3-121488649-G-T. GRCh37 (hg19) VCF-style: chr3-121207496-G-T.
Other names: short protein forms L1428I.
Identifiers: ClinVar variation 3229991 (VCV003229991.1), dbSNP rs2546786063, ClinGen allele CA354095497.
Genomic context (GRCh38, chr3:121,488,649, plus strand): 5'-CTTGAAGAAAACTATTTAATTGTGAATCAGTAACAGAAACTTCATTCTTTTTTAAAAAAA[G>T]ACCATTTTCCTCCAATAGTATTGGAGAATGGAAAATCGGGCTTTCTGGAGTCAGGATATC-3'
Protein context (NP_955452.3, residues 1418-1438): HSPILLEENG[Leu1428Ile]FLKKNEVSVT

ClinVar aggregate classification (germline): Uncertain significance (1 of 4 stars; one submission).

Allele frequency attached by ClinVar (database versions not stated): gnomAD exomes below 0.00001.
gnomAD v4.1: 1 of 1,602,422 alleles (0.000062%); highest among the groups gnomAD compares: South Asian, 0.0011%; no homozygotes.

Submission:

Ambry Genetics
Classification: Uncertain significance. Last evaluated: 2023-10-12. Review status: criteria provided, single submitter. Criteria: Ambry Variant Classification Scheme 2023. Collection method: clinical testing. Allele origin: germline.
Comment: The p.L1428I variant (also known as c.4282C>A), located in coding exon 16 of the POLQ gene, results from a C to A substitution at nucleotide position 4282. The leucine at codon 1428 is replaced by isoleucine, an amino acid with highly similar properties. This amino acid position is conserved. In addition, this alteration is predicted to be tolerated by in silico analysis. Since supporting evidence is limited at this time, the clinical significance of this alteration remains unclear.